The following is an entry in ClinVar:

ClinVar aggregate classification (germline): Uncertain significance. Review status: criteria provided, multiple submitters, no conflicts (2 of 4 stars). 2 submissions from 2 submitters: Uncertain significance (2). Last evaluated 2024-08-01.

Conditions:
Inborn genetic diseases. Identifiers: MedGen C0950123, MeSH D030342.

Submissions (2):

Ambry Genetics
Classification: Uncertain significance for Inborn genetic diseases. Last evaluated: 2024-08-01. Review status: criteria provided, single submitter. Criteria: Ambry Variant Classification Scheme 2023. Collection method: clinical testing. Allele origin: germline.

Labcorp Genetics (formerly Invitae), Labcorp
Classification: Uncertain significance. Last evaluated: 2019-11-23. Review status: criteria provided, single submitter. Criteria: Invitae Variant Classification Sherloc (09022015). Collection method: clinical testing. Allele origin: germline.
Comment: In summary, the available evidence is currently insufficient to determine the role of this variant in disease. Therefore, it has been classified as a Variant of Uncertain Significance. Algorithms developed to predict the effect of missense changes on protein structure and function (SIFT, PolyPhen-2, Align-GVGD) all suggest that this variant is likely to be disruptive, but these predictions have not been confirmed by published functional studies and their clinical significance is uncertain. This variant has not been reported in the literature in individuals with LZTFL1-related conditions. This variant is not present in population databases (ExAC no frequency). This sequence change replaces glutamine with arginine at codon 267 of the LZTFL1 protein (p.Gln267Arg). The glutamine residue is highly conserved and there is a small physicochemical difference between glutamine and arginine.

NM_020347.4(LZTFL1):c.800A>G (p.Gln267Arg)

Gene: LZTFL1 (leucine zipper transcription factor like 1; minus strand). Cytogenetic location: 3p21.31.
Variant type: single nucleotide variant.
Coding change: c.800A>G on transcript NM_020347.4 (MANE Select); coding-DNA position 800, A replaced by G.
Protein change: p.Gln267Arg; replaces glutamine 267 with arginine.
Molecular consequence: missense variant. On other transcripts: non-coding transcript variant (1), intron variant (2).
Genome position (GRCh38, 1-based): chr3:45,827,437, T>C on the plus strand (A>G on the coding strand, the complement: LZTFL1 is on the minus strand). VCF-style: chr3-45827437-T-C. GRCh37 (hg19) VCF-style: chr3-45868929-T-C.
Other names: c.749A>G, p.Gln250Arg (NM_001276378.2, NM_001386451.1); c.765+1002A>G (NM_001276379.2); c.777+1002A>G (NM_001386452.1); c.800A>G (NM_020347.2); short protein forms Q250R, Q267R.
Identifiers: ClinVar variation 840312 (VCV000840312.7), dbSNP rs1700697159, ClinGen allele CA352447346.